The following is an entry in ClinVar:

NM_024939.3(ESRP2):c.1425G>A (p.Thr475=)

Gene: ESRP2 (epithelial splicing regulatory protein 2; minus strand). Cytogenetic location: 16q22.1.
Variant type: single nucleotide variant.
Coding change: c.1425G>A on transcript NM_024939.3 (MANE Select); coding-DNA position 1425, G replaced by A.
Protein change: p.Thr475=; no amino-acid change (threonine 475 retained).
Molecular consequence: synonymous variant.
Genome position (GRCh38, 1-based): chr16:68,231,569, C>T on the plus strand (G>A on the coding strand, the complement: ESRP2 is on the minus strand). VCF-style: chr16-68231569-C-T. GRCh37 (hg19) VCF-style: chr16-68265472-C-T.
Other names: c.1455G>A, p.Thr485= (NM_001365264.1); c.1425G>A, p.Thr475= (NM_001365265.1).
Identifiers: ClinVar variation 780184 (VCV000780184.6), dbSNP rs56323755, ClinGen allele CA8125259.

ClinVar aggregate classification (germline): Benign. Review status: criteria provided, multiple submitters, no conflicts (2 of 4 stars). 3 submissions from 3 submitters: Benign (2). 1 of the submissions does not count toward it. Last evaluated 2018-07-23.

Conditions:
ESRP2-related disorder. Also called: ESRP2-related condition.

Allele frequency attached by ClinVar (database versions not stated): TOPMed 0.00570; ExAC 0.00163; gnomAD 0.00500 and 0.00537; gnomAD exomes 0.00052 and 0.00136; ESP Exome Variant Server 0.00585; 1000 Genomes Project 0.00619; 1000 Genomes Project 30x 0.00609.

Submissions (3):

Labcorp Genetics (formerly Invitae), Labcorp
Classification: Benign. Last evaluated: 2018-07-23. Review status: criteria provided, single submitter. Criteria: Invitae Variant Classification Sherloc (09022015). Collection method: clinical testing. Allele origin: germline.

Breakthrough Genomics
Classification: Benign. Review status: criteria provided, single submitter. Criteria: ACMG Guidelines, 2015. Collection method: not provided. Allele origin: germline. Inheritance: Unknown mechanism. Affected: yes.

PreventionGenetics, part of Exact Sciences
Classification: Benign for ESRP2-related condition. Last evaluated: 2019-02-27. Review status: no assertion criteria provided. Collection method: clinical testing. Allele origin: germline. Not counted in ClinVar's aggregate classification.
Comment: This variant is classified as benign based on ACMG/AMP sequence variant interpretation guidelines (Richards et al. 2015 PMID: 25741868, with internal and published modifications).